The following is an entry in ClinVar:

NM_001244008.2(KIF1A):c.604G>C (p.Ala202Pro)

Gene: KIF1A (kinesin family member 1A; minus strand). Cytogenetic location: 2q37.3.
Variant type: single nucleotide variant.
Coding change: c.604G>C on transcript NM_001244008.2 (MANE Select); coding-DNA position 604, G replaced by C.
Protein change: p.Ala202Pro; replaces alanine 202 with proline.
Molecular consequence: missense variant.
Genome position (GRCh38, 1-based): chr2:240,786,339, C>G on the plus strand (G>C on the coding strand, the complement: KIF1A is on the minus strand). VCF-style: chr2-240786339-C-G. GRCh37 (hg19) VCF-style: chr2-241725756-C-G.
Other names: c.604G>C, p.Ala202Pro (NM_001320705.2, NM_001330289.2, NM_001330290.2 and 20 more transcripts); short protein forms A202P.
Identifiers: ClinVar variation 162056 (VCV000162056.4), dbSNP rs672601366, ClinGen allele CA212624.

ClinVar aggregate classification (germline): Likely pathogenic. Review status: criteria provided, single submitter (1 of 4 stars). 4 submissions from 4 submitters: Likely pathogenic (1). 3 of the submissions do not count toward it. Last evaluated 2020-06-15.

Conditions:
Intellectual disability, autosomal dominant 9 (NESCAVS). Also called: NESCAV SYNDROME; KIF1A-Related Neurodevelopmental Disorder. Identifiers: Orphanet 662367, MedGen C5393830, MONDO:0013656, OMIM 614255.

Submissions (4):

SIB Swiss Institute of Bioinformatics
Classification: Likely pathogenic for Intellectual disability, autosomal dominant 9. Last evaluated: 2020-06-15. Review status: criteria provided, single submitter. Criteria: ACMG Guidelines, 2015. Collection method: curation. Allele origin: unknown.
Comment: This variant is interpreted as likely pathogenic for NESCAV syndrome, autosomal dominant. The following ACMG Tag(s) were applied: Absent from controls (or at extremely low frequency if recessive) in Exome Sequencing Project, 1000 Genomes Project, or Exome Aggregation Consortium (PM2); Assumed de novo, but no confirmation of paternity and maternity (PM6); Multiple lines of computational evidence support a deleterious effect on the gene or gene product (PP3); Missense variant in a gene that has a low rate of benign missense variation and in which missense variants are a common mechanism of disease (PP2).

Molecular Genetics Laboratory, BC Children's and BC Women's Hospitals
Classification: Pathogenic for Intellectual disability, autosomal dominant 9. Last evaluated: 2016-06-01. Review status: no assertion criteria provided. Criteria: ACMG Guidelines, 2015. Collection method: clinical testing. Allele origin: de novo. Affected: yes. Not counted in ClinVar's aggregate classification.

OMIM
Classification: Pathogenic for NESCAV SYNDROME. Last evaluated: 2014-09-29. Review status: no assertion criteria provided. Collection method: literature only. Allele origin: germline. Not counted in ClinVar's aggregate classification.

CHU Sainte-Justine Research Center, University of Montreal
Classification: Likely pathogenic for Mental retardation, autosomal dominant 9. Last evaluated: 2014-01-01. Review status: no assertion criteria provided. Collection method: clinical testing. Allele origin: de novo. Inheritance: Sporadic. Affected: yes. Observed: 1 variant allele, 1 heterozygote. Not counted in ClinVar's aggregate classification.

Literature cited by the submitters: PubMed 25265257 (cited by 3 submitters).